The following is an entry in ClinVar:

NM_001077350.3(NPRL3):c.447C>T (p.Ile149=)

Genes: HBA-LCR (alpha-globin locus control region; plus strand), NPRL3 (NPR3 like, GATOR1 complex subunit; minus strand). Cytogenetic location: 16p13.3.
Variant type: single nucleotide variant.
Coding change: c.447C>T on transcript NM_001077350.3 (MANE Select); coding-DNA position 447, C replaced by T.
Protein change: p.Ile149=; no amino-acid change (isoleucine 149 retained).
Molecular consequence: synonymous variant. On other transcripts: 5 prime UTR variant (1).
Genome position (GRCh38, 1-based): chr16:112,722, G>A on the plus strand (C>T on the coding strand, the complement: NPRL3 is on the minus strand). VCF-style: chr16-112722-G-A. GRCh37 (hg19) VCF-style: chr16-162721-G-A.
Other names: c.-91C>T (NM_001039476.3); c.213C>T, p.Ile71= (NM_001243247.2); c.372C>T, p.Ile124= (NM_001243248.2, NM_001243249.2).
Identifiers: ClinVar variation 476223 (VCV000476223.19), dbSNP rs367592989, ClinGen allele CA7769659.

ClinVar aggregate classification (germline): Benign/Likely benign. Review status: criteria provided, multiple submitters, no conflicts (2 of 4 stars). 6 submissions from 6 submitters: Benign (2); Likely benign (2). 2 of the submissions do not count toward it. Last evaluated 2026-08-01.

Conditions:
Epilepsy, familial focal, with variable foci 3 (FFEVF3). Identifiers: MedGen C4310708, MONDO:0014925, OMIM 617118.

Allele frequency attached by ClinVar (database versions not stated): 1000 Genomes Project 0.00100; ESP Exome Variant Server 0.00123; gnomAD 0.00156; TOPMed 0.00164; 1000 Genomes Project 30x 0.00172.

Submissions (6):

CeGaT Center for Human Genetics Tuebingen
Classification: Likely benign. Last evaluated: 2026-08-01. Review status: criteria provided, single submitter. Criteria: CeGaT Center For Human Genetics Tuebingen Variant Classification Criteria Version 2. Collection method: clinical testing. Allele origin: germline. Affected: yes. Observed: 2 variant alleles.
Comment: NPRL3: BP4, BP7, BS1

Labcorp Genetics (formerly Invitae), Labcorp
Classification: Benign for Epilepsy, familial focal, with variable foci 3. Last evaluated: 2026-01-05. Review status: criteria provided, single submitter. Criteria: Invitae Variant Classification Sherloc (09022015). Collection method: clinical testing. Allele origin: germline.

Blueprint Genetics
Classification: Likely benign. Last evaluated: 2024-05-28. Review status: criteria provided, single submitter. Criteria: ACMG Guidelines, 2015. Collection method: clinical testing. Allele origin: germline.

GeneDx
Classification: Benign. Last evaluated: 2019-01-30. Review status: criteria provided, single submitter. Criteria: GeneDx Variant Classification Process June 2021. Collection method: clinical testing. Allele origin: germline. Affected: yes.

Clinical Genetics DNA and cytogenetics Diagnostics Lab, Erasmus MC, Erasmus Medical Center
Classification: Likely benign. Review status: no assertion criteria provided. Collection method: clinical testing. Allele origin: germline. Affected: yes. Study: VKGL Data-share Consensus. Not counted in ClinVar's aggregate classification.

Genome Diagnostics Laboratory, University Medical Center Utrecht
Classification: Likely benign. Review status: no assertion criteria provided. Collection method: clinical testing. Allele origin: germline. Affected: yes. Study: VKGL Data-share Consensus. Not counted in ClinVar's aggregate classification.